The following is an entry in ClinVar:

NM_001142800.2(EYS):c.4523T>G (p.Leu1508Ter)

Gene: EYS (EGF-like photoreceptor maintenance factor; minus strand). Cytogenetic location: 6q12.
Variant type: single nucleotide variant.
Coding change: c.4523T>G on transcript NM_001142800.2 (MANE Select); coding-DNA position 4523, T replaced by G.
Protein change: p.Leu1508Ter; replaces leucine 1508 with a stop codon.
Molecular consequence: nonsense.
Genome position (GRCh38, 1-based): chr6:64,591,344, A>C on the plus strand (T>G on the coding strand, the complement: EYS is on the minus strand). VCF-style: chr6-64591344-A-C. GRCh37 (hg19) VCF-style: chr6-65301237-A-C.
Other names: c.4523T>G, p.Leu1508Ter (NM_001292009.2); c.4523T>G (NM_001142800.1); short protein forms L1508*.
Identifiers: ClinVar variation 2675241 (VCV002675241.5), dbSNP rs2149832043, ClinGen allele CA364783136.

ClinVar aggregate classification (germline): Pathogenic/Likely pathogenic. Review status: criteria provided, multiple submitters, no conflicts (2 of 4 stars). 3 submissions from 3 submitters: Pathogenic (1); Likely pathogenic (2). Last evaluated 2024-04-18.

Conditions:
Retinitis pigmentosa 25 (RP25). Identifiers: Orphanet 791, MedGen C1864446, MONDO:0011272, OMIM 602772.

Allele frequency attached by ClinVar (database versions not stated): gnomAD exomes below 0.00001.
gnomAD v4.1: 2 of 1,551,378 alleles (0.00013%); highest among the groups gnomAD compares: Non-Finnish European, 0.00017%; no homozygotes.

Submissions (3):

Natera, Inc.
Classification: Likely pathogenic for Retinitis pigmentosa type 25. Last evaluated: 2024-04-18. Review status: criteria provided, single submitter. Criteria: Natera Variant Classification Schema (03/2026). Collection method: clinical testing. Allele origin: germline.
Comment: The c.4523T>G variant in EYS is a nonsense variant predicted to introduce a stop codon at amino acid 1508. This variant is expected to result in nonsense mediated decay, truncation, or a dysfunctional protein product. This variant is rare in the general population with a frequency below the threshold expected for the associated phenotype(s). Given the available evidence, this variant is classified as Likely Pathogenic.

Labcorp Genetics (formerly Invitae), Labcorp
Classification: Pathogenic. Last evaluated: 2023-10-17. Review status: criteria provided, single submitter. Criteria: Invitae Variant Classification Sherloc (09022015). Collection method: clinical testing. Allele origin: germline.
Comment: This sequence change creates a premature translational stop signal (p.Leu1508*) in the EYS gene. It is expected to result in an absent or disrupted protein product. Loss-of-function variants in EYS are known to be pathogenic (PMID: 18836446, 20333770). This variant is not present in population databases (gnomAD no frequency). This variant has not been reported in the literature in individuals affected with EYS-related conditions. For these reasons, this variant has been classified as Pathogenic.

Baylor Genetics
Classification: Likely pathogenic for Retinitis pigmentosa 25. Last evaluated: 2023-10-07. Review status: criteria provided, single submitter. Criteria: ACMG Guidelines, 2015. Collection method: clinical testing. Allele origin: unknown.

Literature cited by the submitters: PubMed 18836446 (cited by Labcorp Genetics (formerly Invitae), Labcorp); PubMed 20333770 (cited by Labcorp Genetics (formerly Invitae), Labcorp).